The following is an entry in ClinVar:

NM_014317.5(PDSS1):c.383A>G (p.Tyr128Cys)

Gene: PDSS1 (decaprenyl diphosphate synthase subunit 1; plus strand). Cytogenetic location: 10p12.1.
Variant type: single nucleotide variant.
Coding change: c.383A>G on transcript NM_014317.5 (MANE Select); coding-DNA position 383, A replaced by G.
Protein change: p.Tyr128Cys; replaces tyrosine 128 with cysteine.
Molecular consequence: missense variant. On other transcripts: 5 prime UTR variant (1).
Genome position (GRCh38, 1-based): chr10:26,709,684, A>G. VCF-style: chr10-26709684-A-G. GRCh37 (hg19) VCF-style: chr10-26998613-A-G.
Other names: c.383A>G, p.Tyr128Cys (NM_001321978.2); c.-211A>G (NM_001321979.2); short protein forms Y128C.
Identifiers: ClinVar variation 2419534 (VCV002419534.6), dbSNP rs1835358482, ClinGen allele CA376490738.

ClinVar aggregate classification (germline): Uncertain significance (1 of 4 stars; one submission).

Allele frequency attached by ClinVar (database versions not stated): gnomAD exomes below 0.00001; TOPMed below 0.00001.

Submission:

Labcorp Genetics (formerly Invitae), Labcorp
Classification: Uncertain significance. Last evaluated: 2025-10-24. Review status: criteria provided, single submitter. Criteria: Invitae Variant Classification Sherloc (09022015). Collection method: clinical testing. Allele origin: germline.
Comment: This sequence change replaces tyrosine, which is neutral and polar, with cysteine, which is neutral and slightly polar, at codon 128 of the PDSS1 protein (p.Tyr128Cys). This variant is not present in population databases (gnomAD no frequency). This variant has not been reported in the literature in individuals affected with PDSS1-related conditions. ClinVar contains an entry for this variant (Variation ID: 2419534). Invitae Evidence Modeling of protein sequence and biophysical properties (such as structural, functional, and spatial information, amino acid conservation, physicochemical variation, residue mobility, and thermodynamic stability) has been performed for this missense variant. However, the output from this modeling did not meet the statistical confidence thresholds required to predict the impact of this variant on PDSS1 protein function. In summary, the available evidence is currently insufficient to determine the role of this variant in disease. Therefore, it has been classified as a Variant of Uncertain Significance.